The following is an entry in ClinVar:

ClinVar aggregate classification (germline): Uncertain significance. Review status: criteria provided, multiple submitters, no conflicts (2 of 4 stars). 3 submissions from 3 submitters: Uncertain significance (2). 1 of the submissions does not count toward it. Last evaluated 2025-06-10.

Conditions:
Autosomal recessive nonsyndromic hearing loss 2. Also called: NEUROSENSORY NONSYNDROMIC RECESSIVE DEAFNESS 2; DEAFNESS, AUTOSOMAL RECESSIVE 2. Identifiers: Orphanet 90636, MedGen C1838701, MONDO:0010807, OMIM 600060.
Usher syndrome type 1 (USH1). Also called: RETINITIS PIGMENTOSA AND CONGENITAL DEAFNESS. Identifiers: Orphanet 231169, Orphanet 886, MedGen C1568247, MONDO:0010168, OMIM 276900.

Submissions (3):

Labcorp Genetics (formerly Invitae), Labcorp
Classification: Uncertain significance. Last evaluated: 2025-06-10. Review status: criteria provided, single submitter. Criteria: Invitae Variant Classification Sherloc (09022015). Collection method: clinical testing. Allele origin: germline.
Comment: This variant, c.3028_3029insTACACCCGGTTGTCC, is a complex sequence change that results in the deletion of 2 and insertion of 5 amino acid(s) in the MYO7A protein (p.Phe1009_Gln1010insLeuHisProValVal). This variant is present in population databases (rs782367511, gnomAD 0.007%). This variant has not been reported in the literature in individuals affected with MYO7A-related conditions. ClinVar contains an entry for this variant (Variation ID: 550760). In summary, the available evidence is currently insufficient to determine the role of this variant in disease. Therefore, it has been classified as a Variant of Uncertain Significance.

Blueprint Genetics
Classification: Uncertain significance. Last evaluated: 2024-07-03. Review status: criteria provided, single submitter. Criteria: ACMG Guidelines, 2015. Collection method: clinical testing. Allele origin: germline.

Counsyl
Classification: Uncertain significance for Usher syndrome type 1; Autosomal recessive nonsyndromic hearing loss 2. Last evaluated: 2017-02-14. Review status: no assertion criteria provided. Collection method: clinical testing. Allele origin: unknown. Not counted in ClinVar's aggregate classification.

NM_000260.4(MYO7A):c.3028_3029insTACACCCGGTTGTCC (p.Phe1009_Gln1010insLeuHisProValVal)

Gene: MYO7A (myosin VIIA; plus strand). Cytogenetic location: 11q13.5.
Variant type: Insertion.
Coding change: c.3028_3029insTACACCCGGTTGTCC on transcript NM_000260.4 (MANE Select); coding-DNA positions 3028 to 3029, TACACCCGGTTGTCC inserted.
Protein change: p.Phe1009_Gln1010insLeuHisProValVal.
Molecular consequence: inframe insertion.
Genome position: GRCh38 VCF-style: chr11-77182071-T-TTCCTACACCCGGTTG. GRCh37 (hg19) VCF-style: chr11-76893117-T-TTCCTACACCCGGTTG.
Other names: c.3028_3029insTACACCCGGTTGTCC, p.Phe1009_Gln1010insLeuHisProValVal (NM_001127180.2); c.2995_2996insTACACCCGGTTGTCC, p.Phe998_Gln999insLeuHisProValVal (NM_001369365.1).
Identifiers: ClinVar variation 550760 (VCV000550760.6), dbSNP rs782367511, ClinGen allele CA224841741.